The following is an entry in ClinVar:

ClinVar aggregate classification (germline): Conflicting classifications of pathogenicity. Review status: criteria provided, conflicting classifications (1 of 4 stars). 4 submissions from 4 submitters: Uncertain significance (1); Benign (1). 2 of the submissions do not count toward it. Last evaluated 2020-03-31.

Conditions:
TRPM7-related disorder. Also called: TRPM7-related condition.
Juvenile amyotrophic lateral sclerosis (JALS). Also called: Juvenile Amyotrophic Lateral Sclerosis (JALS). Identifiers: Orphanet 300605, MedGen C3468114, MONDO:0017593.
Amyotrophic lateral sclerosis-parkinsonism/dementia complex 1, susceptibility to.

Allele frequency attached by ClinVar (database versions not stated): 1000 Genomes Project 30x 0.07152; gnomAD 0.07196 and 0.07502; TOPMed 0.07391; 1000 Genomes Project 0.07588; gnomAD exomes 0.08471; ExAC 0.08703.
gnomAD v4.1: 159,180 of 1,611,142 alleles (9.9%); highest among the groups gnomAD compares: East Asian, 13%; 8,758 homozygotes.

Submissions (4):

Suna and Inan Kirac Foundation Neurodegeneration Research Laboratory, Koc University
Classification: Uncertain significance for Juvenile amyotrophic lateral sclerosis. Last evaluated: 2020-03-31. Review status: criteria provided, single submitter. Criteria: ACMG Guidelines, 2015. Collection method: research. Allele origin: germline. Affected: yes. Observed: 2 variant alleles.

GeneDx
Classification: Benign. Last evaluated: 2018-11-12. Review status: criteria provided, single submitter. Criteria: GeneDx Variant Classification Process June 2021. Collection method: clinical testing. Allele origin: germline. Affected: yes.
Comment: This variant is associated with the following publications: (PMID: 16051700, 25681989, 29874175, 32579787)

PreventionGenetics, part of Exact Sciences
Classification: Benign for TRPM7-related condition. Last evaluated: 2024-08-26. Review status: no assertion criteria provided. Collection method: clinical testing. Allele origin: germline. Not counted in ClinVar's aggregate classification.
Comment: This variant is classified as benign based on ACMG/AMP sequence variant interpretation guidelines (Richards et al. 2015 PMID: 25741868, with internal and published modifications).

OMIM
Classification: risk factor for AMYOTROPHIC LATERAL SCLEROSIS-PARKINSONISM/DEMENTIA COMPLEX 1, SUSCEPTIBILITY TO. Last evaluated: 2010-01-05. Review status: no assertion criteria provided. Collection method: literature only. Allele origin: germline. Not counted in ClinVar's aggregate classification.

Literature cited by the submitters: PubMed 16051700 (cited by OMIM); PubMed 19405049 (cited by OMIM).

NM_017672.6(TRPM7):c.4445C>T (p.Thr1482Ile)

Gene: TRPM7 (transient receptor potential cation channel subfamily M member 7; minus strand). Cytogenetic location: 15q21.2.
Variant type: single nucleotide variant.
Coding change: c.4445C>T on transcript NM_017672.6 (MANE Select); coding-DNA position 4445, C replaced by T.
Protein change: p.Thr1482Ile; replaces threonine 1482 with isoleucine.
Molecular consequence: missense variant. On other transcripts: non-coding transcript variant (3).
Genome position (GRCh38, 1-based): chr15:50,586,433, G>A on the plus strand (C>T on the coding strand, the complement: TRPM7 is on the minus strand). VCF-style: chr15-50586433-G-A. GRCh37 (hg19) VCF-style: chr15-50878630-G-A.
Other names: TRPM7, THR1482ILE (rs8042919); c.4445C>T, p.Thr1482Ile (NM_001301212.2); c.4445C>T (NM_017672.5); short protein forms T1482I.
Identifiers: ClinVar variation 4807 (VCV000004807.6), dbSNP rs8042919, ClinGen allele CA117098.
Genomic context (GRCh38, chr15:50,586,433, plus strand): 5'-ATATGGTCAAAATACTCACCTTGTTTTGAATGAACAGGAATGGAAGTTCTGTGACAGTCA[G>A]TAAATCCAGCAAGAGAACTCACTCGTTTCAAAGTGTTTTCAGAAGTATTGTTATTCTGCA-3'
Protein context (NP_060142.3, residues 1472-1492): LKRVSSLAGF[Thr1482Ile]DCHRTSIPVH